The following is an entry in ClinVar:

ClinVar aggregate classification (germline): Likely pathogenic (1 of 4 stars; one submission).

Submission:

GeneDx
Classification: Likely pathogenic. Last evaluated: 2016-07-28. Review status: criteria provided, single submitter. Criteria: GeneDx Variant Classification (06012015). Collection method: clinical testing. Allele origin: germline. Affected: yes.
Comment: The c.146delT variant in the SLC37A4 gene has not been reported previously as a pathogenic variant nor as a benign variant, to our knowledge. The c.146delT variant causes a frameshift starting with codon Leucine 49, changes this amino acid to a Tryptophan residue, and creates a premature Stop codon at position 26 of the new reading frame, denoted p.Leu49TrpfsX26. This variant is predicted to cause loss of normal protein function either through protein truncation or nonsense-mediated mRNA decay. The c.146delT variant was not observed in approximately 6300 individuals of European and African American ancestry in the NHLBI Exome Sequencing Project, indicating it is not a common benign variant in these populations. We interpret c.146delT as a likely pathogenic variant.

NM_001164277.2(SLC37A4):c.146del (p.Leu49fs)

Gene: SLC37A4 (solute carrier family 37 member 4; minus strand). Cytogenetic location: 11q23.3.
Variant type: Deletion.
Coding change: c.146del on transcript NM_001164277.2 (MANE Select); coding-DNA position 146, one base deleted (T; older notation c.146delT).
Protein change: p.Leu49fs; shifts the reading frame from leucine 49.
Molecular consequence: frameshift variant. On other transcripts: intron variant (1).
Genome position (GRCh38, 1-based): chr11:119,029,224, A deleted on the plus strand (T on the coding strand, the reverse complement: SLC37A4 is on the minus strand); the first of 3 consecutive A bases (chr11:119,029,224-119,029,226); deleting any one gives the same sequence. VCF-style (leftmost placement, unchanged base first): chr11-119029223-CA-C. GRCh37 (hg19) VCF-style: chr11-118899933-CA-C.
Other names: c.146del, p.Leu49fs (NM_001164278.2, NM_001164280.2, NM_001467.6); c.-172+168del (NM_001164279.2); c.146delT (NM_001164277.1); short protein forms L49fs.
Identifiers: ClinVar variation 421900 (VCV000421900.2), dbSNP rs1064795433, ClinGen allele CA16619284.